The following is an entry in ClinVar:

ClinVar aggregate classification (germline): Likely benign (0 of 4 stars; one submission).

Conditions:
Malignant tumor of breast. Also called: Malignant breast neoplasm; Cancer breast. Identifiers: MedGen C0006142, MONDO:0007254. Disease mechanism: loss of function.

Submission:

Department of Pathology and Laboratory Medicine, Sinai Health System
Classification: Likely benign for Malignant tumor of breast. Review status: no assertion criteria provided. Collection method: clinical testing. Allele origin: unknown. Affected: yes. Study: The Canadian Open Genetics Repository (COGR).
Comment: The p.Arg296Arg variant is not expected to have clinical significance because it does not result in a change of amino acid and is not located in a known consensus splice site. In addition, in silico or computational prediction software programs (SpliceSiteFinder, MaxEntScan, NNSPLICE, GeneSplicer, HumanSpliceFinder) do not predict a difference in splicing, but this is not always an accurate measure of splicing activity. The variant was not identified in the literature, nor was it identified in the dbSNP, NHLBI Exome Sequencing Project (Exome Variant Server), Exome Aggregation Consortium (ExAC), HGMD, LOVD, COSMIC, ClinVar, GeneInsight VariantWire, BIC or UMD. In summary, based on the above information, the clinical significance of this variant cannot be determined with certainty at this time although we would lean towards a more benign role for this variant. This variant is classified as predicted benign.

NM_007294.4(BRCA1):c.888A>G (p.Arg296=)

Gene: BRCA1 (BRCA1 DNA repair associated; minus strand). Cytogenetic location: 17q21.31.
Variant type: single nucleotide variant.
Coding change: c.888A>G on transcript NM_007294.4 (MANE Select); coding-DNA position 888, A replaced by G.
Protein change: p.Arg296=; no amino-acid change (arginine 296 retained).
Molecular consequence: synonymous variant. On other transcripts: intron variant (137), 5 prime UTR variant (2).
Genome position (GRCh38, 1-based): chr17:43,094,643, T>C on the plus strand (A>G on the coding strand, the complement: BRCA1 is on the minus strand). VCF-style: chr17-43094643-T-C. GRCh37 (hg19) VCF-style: chr17-41246660-T-C.
Other names: c.888A>G, p.Arg296= (NM_001407640.1, NM_001407641.1, NM_001407642.1 and 30 more transcripts); c.885A>G, p.Arg295= (NM_001407644.1, NM_001407645.1, NM_001407633.1 and 22 more transcripts); c.879A>G, p.Arg293= (NM_001407646.1, NM_001407647.1); c.765A>G, p.Arg255= (NM_001407648.1, NM_001407664.1, NM_001407665.1 and 19 more transcripts); c.762A>G, p.Arg254= (NM_001407649.1, NM_001407670.1, NM_001407671.1 and 11 more transcripts); c.810A>G, p.Arg270= (NM_001407653.1, NM_001407654.1, NM_001407655.1 and 4 more transcripts); c.675A>G, p.Arg225= (NM_001407571.1, NM_001407853.1, NM_001407894.1 and 9 more transcripts); c.747A>G, p.Arg249= (NM_007297.4, NM_001407692.1, NM_001407694.1 and 29 more transcripts); and 40 more.
Identifiers: ClinVar variation 433695 (VCV000433695.3), dbSNP rs1555592914, ClinGen allele CA500233312.